The following is an entry in ClinVar:

NM_206965.2(FTCD):c.1031_1061del (p.Val344fs)

Gene: FTCD (formimidoyltransferase cyclodeaminase; minus strand). Cytogenetic location: 21q22.3.
Variant type: Deletion.
Coding change: c.1031_1061del on transcript NM_206965.2 (MANE Select); coding-DNA positions 1031 to 1061, 31 bases deleted.
Protein change: p.Val344fs; shifts the reading frame from valine 344.
Molecular consequence: frameshift variant.
Genome position (GRCh38, 1-based): chr21:46,145,855-46,145,885, 31 bases deleted. GRCh37 (hg19): chr21:47,565,769-47,565,799.
Other names: c.1031_1061del, p.Val344fs (NM_001320412.2, NM_006657.3); short protein forms V344fs.
Identifiers: ClinVar variation 3587711 (VCV003587711.3).

ClinVar aggregate classification (germline): Pathogenic/Likely pathogenic. Review status: criteria provided, multiple submitters, no conflicts (2 of 4 stars). 2 submissions from 2 submitters: Pathogenic (1); Likely pathogenic (1). Last evaluated 2024-10-30.

Conditions:
Glutamate formiminotransferase deficiency. Also called: Arakawa syndrome 1; Formiminoglutamic aciduria. Identifiers: Orphanet 51208, MedGen C0268609, MONDO:0009240, OMIM 229100.

Submissions (2):

Labcorp Genetics (formerly Invitae), Labcorp
Classification: Pathogenic for Glutamate formiminotransferase deficiency. Last evaluated: 2024-10-30. Review status: criteria provided, single submitter. Criteria: Invitae Variant Classification Sherloc (09022015). Collection method: clinical testing. Allele origin: germline.
Comment: This sequence change creates a premature translational stop signal (p.Val344Alafs*24) in the FTCD gene. It is expected to result in an absent or disrupted protein product. Loss-of-function variants in FTCD are known to be pathogenic (PMID: 29178637, 30740726). This variant is not present in population databases (gnomAD no frequency). This variant has not been reported in the literature in individuals affected with FTCD-related conditions. For these reasons, this variant has been classified as Pathogenic.

Fulgent Genetics
Classification: Likely pathogenic for Glutamate formiminotransferase deficiency. Last evaluated: 2024-04-16. Review status: criteria provided, single submitter. Criteria: ACMG Guidelines, 2015. Collection method: clinical testing. Allele origin: germline.

Literature cited by the submitters: PubMed 29178637 (cited by Labcorp Genetics (formerly Invitae), Labcorp); PubMed 30740726 (cited by Labcorp Genetics (formerly Invitae), Labcorp).